The following is an entry in ClinVar:

NM_000548.5(TSC2):c.1289G>C (p.Arg430Thr)

Gene: TSC2 (TSC complex subunit 2; plus strand). Cytogenetic location: 16p13.3.
Variant type: single nucleotide variant.
Coding change: c.1289G>C on transcript NM_000548.5 (MANE Select); coding-DNA position 1289, G replaced by C.
Protein change: p.Arg430Thr; replaces arginine 430 with threonine.
Molecular consequence: missense variant.
Genome position (GRCh38, 1-based): chr16:2,062,528, G>C. VCF-style: chr16-2062528-G-C. GRCh37 (hg19) VCF-style: chr16-2112529-G-C.
Other names: c.1289G>C, p.Arg430Thr (NM_001077183.3, NM_001114382.3, NM_001363528.2 and 3 more transcripts); c.1178G>C, p.Arg393Thr (NM_001318827.2); c.1142G>C, p.Arg381Thr (NM_001318829.2); c.689G>C, p.Arg230Thr (NM_001318831.2); c.1322G>C, p.Arg441Thr (NM_001318832.2); short protein forms R430T, R230T, R393T, R441T, R381T.
Identifiers: ClinVar variation 944536 (VCV000944536.9), dbSNP rs2086770532, ClinGen allele CA394322037.
Genomic context (GRCh38, chr16:2,062,528, plus strand): 5'-AGGGGCAACACCGGCTCTTCTTTTGACAGGAGTCCTCCCTCCTGAACCTGATCTCCTATA[G>C]AGCGCAGTCCATCCACCCGGCCAAGGACGGCTGGATTCAGAACCTGCAGGCGCTGATGGA-3'
Protein context (NP_000539.2, residues 420-440): ESSLLNLISY[Arg430Thr]AQSIHPAKDG

ClinVar aggregate classification (germline): Uncertain significance. Review status: criteria provided, multiple submitters, no conflicts (2 of 4 stars). 2 submissions from 2 submitters: Uncertain significance (2). Last evaluated 2021-10-08.

Conditions:
Isolated focal cortical dysplasia type II (FCORD2). Also called: Focal cortical dysplasia type II; CORTICAL DYSPLASIA OF TAYLOR. Identifiers: Orphanet 268994, MedGen C1846385, MONDO:0011818, OMIM 607341, HP:0032051.
Tuberous sclerosis 2 (TSC2). Identifiers: Orphanet 805, MedGen C1860707, MONDO:0013199, OMIM 613254.
Lymphangiomyomatosis (LAM). Also called: Lymphangioleiomyomatosis, somatic; Lymphangioleiomyomatosis. Identifiers: Orphanet 538, MedGen C0751674, MONDO:0011705, OMIM 606690.

Allele frequency attached by ClinVar (database versions not stated): gnomAD 0.00001.
gnomAD v4.1: 1 of 1,612,238 alleles (0.000062%); highest among the groups gnomAD compares: East Asian, 0.0022%; no homozygotes.

Submissions (2):

Labcorp Genetics (formerly Invitae), Labcorp
Classification: Uncertain significance for Tuberous sclerosis 2. Last evaluated: 2021-10-08. Review status: criteria provided, single submitter. Criteria: Invitae Variant Classification Sherloc (09022015). Collection method: clinical testing. Allele origin: germline.
Comment: This sequence change replaces arginine with threonine at codon 430 of the TSC2 protein (p.Arg430Thr). The arginine residue is highly conserved and there is a moderate physicochemical difference between arginine and threonine. This variant is not present in population databases (ExAC no frequency). In summary, the available evidence is currently insufficient to determine the role of this variant in disease. Therefore, it has been classified as a Variant of Uncertain Significance. Algorithms developed to predict the effect of missense changes on protein structure and function (SIFT, PolyPhen-2, Align-GVGD) all suggest that this variant is likely to be disruptive. This variant has not been reported in the literature in individuals affected with TSC2-related conditions.

Fulgent Genetics
Classification: Uncertain significance for Lymphangiomyomatosis; Isolated focal cortical dysplasia type II; Tuberous sclerosis 2. Last evaluated: 2021-09-24. Review status: criteria provided, single submitter. Criteria: ACMG Guidelines, 2015. Collection method: clinical testing. Allele origin: unknown.